The following is an entry in ClinVar:

ClinVar aggregate classification (germline): Pathogenic (1 of 4 stars; one submission).

Conditions:
Charcot-Marie-Tooth Neuropathy X. Identifiers: MedGen CN118851.

Submission:

Labcorp Genetics (formerly Invitae), Labcorp
Classification: Pathogenic for Charcot-Marie-Tooth Neuropathy X. Last evaluated: 2019-09-20. Review status: criteria provided, single submitter. Criteria: Invitae Variant Classification Sherloc (09022015). Collection method: clinical testing. Allele origin: germline.
Comment: This variant disrupts the C-terminus of the GJB1 protein. Other variant(s) that disrupt this region (p.Ala271Trpfs*4, p.Ser281*, p.Cys283*) have been determined to be pathogenic (PMID: 8990008, 23011429, Invitae). This suggests that variants that disrupt this region of the protein are likely to be causative of disease. For these reasons, this variant has been classified as Pathogenic. This variant has not been reported in the literature in individuals with GJB1-related conditions. This variant is not present in population databases (ExAC no frequency). This sequence change results in a premature translational stop signal in the GJB1 gene (p.Tyr211Thrfs*42). While this is not anticipated to result in nonsense mediated decay, it is expected to disrupt the last 73 amino acids of the GJB1 protein.

Literature cited by the submitters: PubMed 8990008; PubMed 23011429.

NM_000166.6(GJB1):c.630del (p.Tyr211fs)

Gene: GJB1 (gap junction protein beta 1; plus strand). Cytogenetic location: Xq13.1.
Variant type: Deletion.
Coding change: c.630del on transcript NM_000166.6 (MANE Select); coding-DNA position 630, one base deleted (G; older notation c.630delG).
Protein change: p.Tyr211fs; shifts the reading frame from tyrosine 211.
Molecular consequence: frameshift variant.
Genome position (GRCh38, 1-based): chrX:71,224,337, G deleted. VCF-style (leftmost placement, unchanged base first): chrX-71224336-TG-T. GRCh37 (hg19) VCF-style: chrX-70444186-TG-T.
Other names: c.630del, p.Tyr211fs (NM_001097642.3); short protein forms Y211fs.
Identifiers: ClinVar variation 955572 (VCV000955572.9), dbSNP rs2092546021, ClinGen allele CA1139667647.
Genomic context (GRCh38, chrX:71,224,336, plus strand): 5'-TCACCGTCTTCATGCTAGCTGCCTCTGGCATCTGCATCATCCTCAATGTGGCCGAGGTGG[TG>T]TACCTCATCATCCGGGCCTGTGCCCGCCGAGCCCAGCGCCGCTCCAATCCACCTTCCCGC-3'